The following is an entry in ClinVar:

ClinVar aggregate classification (germline): Likely pathogenic (1 of 4 stars; one submission).

Conditions:
Dilated cardiomyopathy 1G (CMD1G). Identifiers: Orphanet 154, MedGen C1858763, MONDO:0011400, OMIM 604145.
Autosomal recessive limb-girdle muscular dystrophy type 2J (LGMDR10). Also called: Limb-girdle muscular dystrophy, type 2J; MUSCULAR DYSTROPHY, LIMB-GIRDLE, AUTOSOMAL RECESSIVE 10. Identifiers: Orphanet 140922, MedGen C1837342, MONDO:0012127, OMIM 608807.

Submission:

Labcorp Genetics (formerly Invitae), Labcorp
Classification: Likely pathogenic for Dilated cardiomyopathy 1G; Autosomal recessive limb-girdle muscular dystrophy type 2J. Last evaluated: 2024-11-11. Review status: criteria provided, single submitter. Criteria: Invitae Variant Classification Sherloc (09022015). Collection method: clinical testing. Allele origin: germline.
Comment: This sequence change creates a premature translational stop signal (p.Met31036Asnfs*8) in the TTN gene. While this is not anticipated to result in nonsense mediated decay, it is expected to create a truncated TTN protein. This variant is not present in population databases (gnomAD no frequency). This variant has not been reported in the literature in individuals affected with TTN-related conditions. ClinVar contains an entry for this variant (Variation ID: 1471331). This variant is located in the A band of TTN (PMID: 25589632). Truncating variants in this region are significantly overrepresented in patients affected with dilated cardiomyopathy (PMID: 25589632). Truncating variants in this region have also been reported in individuals affected with autosomal recessive centronuclear myopathy (PMID: 23975875). In summary, the currently available evidence indicates that the variant is pathogenic, but additional data are needed to prove that conclusively. Therefore, this variant has been classified as Likely Pathogenic.

Literature cited by the submitters: PubMed 25589632; PubMed 23975875.

NM_001267550.2(TTN):c.93106dup (p.Met31036fs)

Genes: TTN-AS1 (TTN antisense RNA 1; plus strand), TTN (titin; minus strand). Cytogenetic location: 2q31.2.
Variant type: Duplication.
Coding change: c.93106dup on transcript NM_001267550.2 (MANE Select); coding-DNA position 93106, one base duplicated (A; older notation c.93106dupA).
Protein change: p.Met31036fs; shifts the reading frame from methionine 31036.
Molecular consequence: frameshift variant.
Genome position (GRCh38, 1-based): chr2:178,548,520, T duplicated on the plus strand (A on the coding strand, the reverse complement: TTN is on the minus strand). VCF-style (leftmost placement, unchanged base first): chr2-178548519-A-AT. GRCh37 (hg19) VCF-style: chr2-179413246-A-AT.
Other names: c.88183dup, p.Met29395fs (NM_001256850.1); c.65911dup, p.Met21971fs (NM_003319.4); c.85402dup, p.Met28468fs (NM_133378.4); c.66286dup, p.Met22096fs (NM_133432.3); c.66487dup, p.Met22163fs (NM_133437.4); short protein forms M22163fs, M29395fs, M31036fs, M21971fs, M22096fs, M28468fs.
Identifiers: ClinVar variation 1471331 (VCV001471331.8), dbSNP rs2154147449, ClinGen allele CA2573134119.
Genomic context (GRCh38, chr2:178,548,519, plus strand): 5'-CGTTTCTCTACCACATAATGATGGATTCGGGCACCACCGTCAAGAAGAGGGGCATCCCAC[A>AT]TCAATGTAGCAGATCCCCGGGTCACATCTTTGAAGGTAATTGGGCCAGGTGGGCCTGGAG-3'